The following is an entry in ClinVar:

ClinVar aggregate classification (germline): Uncertain significance (1 of 4 stars; one submission).

Submission:

Mayo Clinic Laboratories, Mayo Clinic
Classification: Uncertain significance. Last evaluated: 2023-12-18. Review status: criteria provided, single submitter. Criteria: ACMG Guidelines, 2015. Collection method: clinical testing. Allele origin: germline. Observed: 1 variant allele.
Comment: PM2_moderate

NM_002693.3(POLG):c.1594C>T (p.Pro532Ser)

Gene: POLG (DNA polymerase gamma, catalytic subunit; minus strand). Cytogenetic location: 15q26.1.
Variant type: single nucleotide variant.
Coding change: c.1594C>T on transcript NM_002693.3 (MANE Select); coding-DNA position 1594, C replaced by T.
Protein change: p.Pro532Ser; replaces proline 532 with serine.
Molecular consequence: missense variant.
Genome position (GRCh38, 1-based): chr15:89,326,730, G>A on the plus strand (C>T on the coding strand, the complement: POLG is on the minus strand). VCF-style: chr15-89326730-G-A. GRCh37 (hg19) VCF-style: chr15-89869961-G-A.
Other names: p.Pro532Ser; c.1594C>T, p.Pro532Ser (NM_001126131.2); short protein forms P532S.
Identifiers: ClinVar variation 3380321 (VCV003380321.1).